The following is an entry in ClinVar:

NM_030665.4(RAI1):c.3219C>T (p.Gly1073=)

Gene: RAI1 (retinoic acid induced 1; plus strand). Cytogenetic location: 17p11.2.
Variant type: single nucleotide variant.
Coding change: c.3219C>T on transcript NM_030665.4 (MANE Select); coding-DNA position 3219, C replaced by T.
Protein change: p.Gly1073=; no amino-acid change (glycine 1073 retained).
Molecular consequence: synonymous variant.
Genome position (GRCh38, 1-based): chr17:17,796,167, C>T. VCF-style: chr17-17796167-C-T. GRCh37 (hg19) VCF-style: chr17-17699481-C-T.
Other names: c.3219C>T (NM_030665.3).
Identifiers: ClinVar variation 1530986 (VCV001530986.10), dbSNP rs766857973, ClinGen allele CA8418688.

ClinVar aggregate classification (germline): Benign. Review status: criteria provided, single submitter (1 of 4 stars). 2 submissions from 2 submitters: Benign (1). 1 of the submissions does not count toward it. Last evaluated 2025-05-14.

Conditions:
RAI1-related disorder. Also called: RAI1-related condition.

Allele frequency attached by ClinVar (database versions not stated): gnomAD 0.00003; gnomAD exomes 0.00003 and 0.00008; TOPMed 0.00005; ExAC 0.00011.
gnomAD v4.1: 55 of 1,559,332 alleles (0.0035%); highest among the groups gnomAD compares: Non-Finnish European, 0.00035%; no homozygotes.

Submissions (2):

Labcorp Genetics (formerly Invitae), Labcorp
Classification: Benign. Last evaluated: 2025-05-14. Review status: criteria provided, single submitter. Criteria: Invitae Variant Classification Sherloc (09022015). Collection method: clinical testing. Allele origin: germline.

PreventionGenetics, part of Exact Sciences
Classification: Likely benign for RAI1-related condition. Last evaluated: 2022-01-14. Review status: no assertion criteria provided. Collection method: clinical testing. Allele origin: germline. Not counted in ClinVar's aggregate classification.
Comment: This variant is classified as likely benign based on ACMG/AMP sequence variant interpretation guidelines (Richards et al. 2015 PMID: 25741868, with internal and published modifications).